The following is an entry in ClinVar:

NM_004204.5(PIGQ):c.499G>A (p.Asp167Asn)

Gene: PIGQ (phosphatidylinositol glycan anchor biosynthesis class Q; plus strand). Cytogenetic location: 16p13.3.
Variant type: single nucleotide variant.
Coding change: c.499G>A on transcript NM_004204.5 (MANE Select); coding-DNA position 499, G replaced by A.
Protein change: p.Asp167Asn; replaces aspartic acid 167 with asparagine.
Molecular consequence: missense variant.
Genome position (GRCh38, 1-based): chr16:574,573, G>A. VCF-style: chr16-574573-G-A. GRCh37 (hg19) VCF-style: chr16-624573-G-A.
Other names: c.499G>A, p.Asp167Asn (NM_148920.4); c.499G>A (NM_148920.1); short protein forms D167N.
Identifiers: ClinVar variation 656379 (VCV000656379.6), dbSNP rs144825405, ClinGen allele CA7779888.

ClinVar aggregate classification (germline): Uncertain significance. Review status: criteria provided, multiple submitters, no conflicts (2 of 4 stars). 2 submissions from 2 submitters: Uncertain significance (2). Last evaluated 2022-11-01.

Conditions:
Inborn genetic diseases. Identifiers: MedGen C0950123, MeSH D030342.
Epilepsy. Also called: Seizure disorder. Identifiers: MedGen C0014544, MeSH D004827, MONDO:0005027.

Allele frequency attached by ClinVar (database versions not stated): ExAC 0.00002; gnomAD exomes 0.00003; TOPMed 0.00019; ESP Exome Variant Server 0.00023.
gnomAD v4.1: 44 of 1,603,420 alleles (0.0027%); highest among the groups gnomAD compares: African/African-American, 0.051%; no homozygotes.

Submissions (2):

Labcorp Genetics (formerly Invitae), Labcorp
Classification: Uncertain significance for Epilepsy. Last evaluated: 2022-11-01. Review status: criteria provided, single submitter. Criteria: Invitae Variant Classification Sherloc (09022015). Collection method: clinical testing. Allele origin: germline.
Comment: This sequence change replaces aspartic acid, which is acidic and polar, with asparagine, which is neutral and polar, at codon 167 of the PIGQ protein (p.Asp167Asn). This variant is present in population databases (rs144825405, gnomAD 0.03%). This variant has not been reported in the literature in individuals affected with PIGQ-related conditions. ClinVar contains an entry for this variant (Variation ID: 656379). Algorithms developed to predict the effect of missense changes on protein structure and function (SIFT, PolyPhen-2, Align-GVGD) all suggest that this variant is likely to be tolerated. In summary, the available evidence is currently insufficient to determine the role of this variant in disease. Therefore, it has been classified as a Variant of Uncertain Significance.

Ambry Genetics
Classification: Uncertain significance for Inborn genetic diseases. Last evaluated: 2021-09-16. Review status: criteria provided, single submitter. Criteria: Ambry Variant Classification Scheme 2023. Collection method: clinical testing. Allele origin: germline.